The following is an entry in ClinVar:

NM_002878.4(RAD51D):c.646C>T (p.Leu216=)

Genes: RAD51D (RAD51 paralog D; minus strand), RAD51L3-RFFL (RAD51L3-RFFL readthrough; minus strand). Cytogenetic location: 17q12.
Variant type: single nucleotide variant.
Coding change: c.646C>T on transcript NM_002878.4 (MANE Select); coding-DNA position 646, C replaced by T.
Protein change: p.Leu216=; no amino-acid change (leucine 216 retained).
Molecular consequence: synonymous variant. On other transcripts: non-coding transcript variant (3).
Genome position (GRCh38, 1-based): chr17:35,103,475, G>A on the plus strand (C>T on the coding strand, the complement: RAD51D is on the minus strand). VCF-style: chr17-35103475-G-A. GRCh37 (hg19) VCF-style: chr17-33430494-G-A.
Other names: c.706C>T, p.Leu236= (NM_001142571.2); c.310C>T, p.Leu104= (NM_133629.3).
Identifiers: ClinVar variation 3904027 (VCV003904027.1).

ClinVar aggregate classification (germline): Benign (1 of 4 stars; one submission).

Conditions:
Breast-ovarian cancer, familial, susceptibility to, 4. Identifiers: Orphanet 145, MedGen C3280345, MONDO:0013669, OMIM 614291.

Submission:

Myriad Genetics, Inc.
Classification: Benign for Breast-ovarian cancer, familial, susceptibility to, 4. Last evaluated: 2025-02-24. Review status: criteria provided, single submitter. Criteria: Myriad Autosomal Dominant, Autosomal Recessive and X-Linked Classification Criteria (2023). Collection method: clinical testing. Allele origin: unknown.
Comment: This variant is considered benign. This variant is a silent/synonymous amino acid change and it is not expected to impact splicing.